The following is an entry in ClinVar:

ClinVar aggregate classification (germline): Uncertain significance (1 of 4 stars; one submission).

Submission:

CeGaT Center for Human Genetics Tuebingen
Classification: Uncertain significance. Last evaluated: 2024-01-01. Review status: criteria provided, single submitter. Criteria: CeGaT Center For Human Genetics Tuebingen Variant Classification Criteria Version 2. Collection method: clinical testing. Allele origin: germline. Affected: yes. Observed: 1 variant allele.
Comment: DEAF1: PM1, PM2

NM_021008.4(DEAF1):c.658G>T (p.Gly220Cys)

Gene: DEAF1 (DEAF1 transcription factor; minus strand). Cytogenetic location: 11p15.5.
Variant type: single nucleotide variant.
Coding change: c.658G>T on transcript NM_021008.4 (MANE Select); coding-DNA position 658, G replaced by T.
Protein change: p.Gly220Cys; replaces glycine 220 with cysteine.
Molecular consequence: missense variant. On other transcripts: 5 prime UTR variant (1).
Genome position (GRCh38, 1-based): chr11:687,917, C>A on the plus strand (G>T on the coding strand, the complement: DEAF1 is on the minus strand). VCF-style: chr11-687917-C-A. GRCh37 (hg19) VCF-style: chr11-687917-C-A.
Other names: c.658G>T, p.Gly220Cys (NM_001293634.2); c.-69G>T (NM_001367390.1); short protein forms G220C.
Identifiers: ClinVar variation 3026545 (VCV003026545.22), dbSNP rs751569402, ClinGen allele CA378933296.